The following continues an entry in ClinVar:

NM_000350.3(ABCA4):c.3608G>A (p.Gly1203Glu)

ClinVar aggregate classification (germline): Conflicting classifications of pathogenicity. Likely pathogenic (3); Uncertain significance (13).

Submissions 8 to 18 of 18:

Victorian Clinical Genetics Services, Murdoch Childrens Research Institute
Classification: Uncertain significance for Stargardt disease. Last evaluated: 2023-07-17. Review status: criteria provided, single submitter. Criteria: ACMG Guidelines, 2015. Collection method: clinical testing. Allele origin: germline.
Comment: Based on the classification scheme VCGS_Germline_v1.3.4, this variant is classified as VUS-3A. Following criteria are met: 0102 - Loss of function is a known mechanism of disease in this gene and is associated with ABCA4-related eye disease (OMIM). (I) 0106 - This gene is associated with autosomal recessive disease. (I) 0115 - Variants in this gene are known to have variable expressivity (PMID: 31522899). (I) 0209 - Splice site variant proven to affect splicing of the transcript with uncertain effect on protein sequence. Transfected HEK293 cells have shown that this variant results in exon 25 skipping, proven by Sanger sequencing of RT-PCR products (PMID: 31212395). (SP) 0251 - This variant is heterozygous. (I) 0304 - Variant is present in gnomAD <0.01 for a recessive condition (89 heterozygotes, 0 homozygotes). (SP) 0604 - Variant is predicted to cause exon 25 skipping, which does not contain an established domain, motif, hotspot or informative constraint region (PMID: 31212395). (I) 0705 - No comparable splice variants have previous evidence for pathogenicity. However, alternative missense changes at the same residue (p.Gly1203Arg, p.Gly1203Trp) have been reported. The arginine change has been reported several times as a VUS and once as likely pathogenic (ClinVar), and observed in a single patient with Stargardt disease who also had two additional missense variants of unknown phase. The change to tryptophan has been reported in a single compound heterozygous patient with Stardardt disease (PMID: 15192030; PMID: 30563929). (I) 0808 - Previous reports of pathogenicity for this variant are conflicting. This variant has been reported multiple times as a VUS (ClinVar), and observed in several heterozygous patients with cone rod dystrophy or Stardardt disease (PMID: 31212395, PMID: 18285826, PMID: 31456290). It has also been observed in a patient with Stargardt macular dystrophy with two additional variants, but phasing is unclear (PMID: 25474345). (I) 0905 - No published segregation evidence has been identified for this variant. (I) 1007 - No published functional evidence has been identified for this variant. (I) 1208 - Inheritance information for this variant is not currently available in this individual. (I) Legend: (SP) - Supporting pathogenic, (I) - Information, (SB) - Supporting benign

Department of Pathology and Laboratory Medicine, Sinai Health System
Classification: Uncertain significance for ABCA4-related retinopathy. Last evaluated: 2023-01-23. Review status: criteria provided, single submitter. Criteria: ACMG Guidelines, 2015. Collection method: research. Allele origin: germline.

MGZ Medical Genetics Center
Classification: Uncertain significance for Retinitis pigmentosa 19. Last evaluated: 2022-01-31. Review status: criteria provided, single submitter. Criteria: ACMG Guidelines, 2015. Collection method: clinical testing. Allele origin: germline. Affected: yes. Observed: 1 variant allele.
Comment: ACMG criteria applied: PM5, PP3

Institute of Human Genetics, Univ. Regensburg, Univ. Regensburg
Classification: Uncertain significance for Retinal dystrophy. Last evaluated: 2021-01-01. Review status: criteria provided, single submitter. Criteria: ACMG Guidelines, 2015. Collection method: clinical testing. Allele origin: germline. Affected: yes.

Centre for Mendelian Genomics, University Medical Centre Ljubljana
Classification: Uncertain significance for Age related macular degeneration 2. Last evaluated: 2020-03-21. Review status: criteria provided, single submitter. Criteria: ACMG Guidelines, 2015. Collection method: clinical testing. Allele origin: unknown. Affected: yes.
Comment: This variant was classified as: Uncertain significance. The available evidence favors the pathogenic nature of this variant, however the currently available data is insufficient to conclusively support its pathogenic nature. Thus this variant is classified as Uncertain significance - favor pathogenic. The following ACMG criteria were applied in classifying this variant: PM5,PP3.

CeGaT Center for Human Genetics Tuebingen
Classification: Uncertain significance. Last evaluated: 2019-08-01. Review status: criteria provided, single submitter. Criteria: CeGaT Center For Human Genetics Tuebingen Variant Classification Criteria Version 2. Collection method: clinical testing. Allele origin: germline. Affected: yes. Observed: 1 variant allele.

Illumina Laboratory Services, Illumina
Classification: Uncertain significance for ABCA4-Related Disorders. Last evaluated: 2017-04-27. Review status: criteria provided, single submitter. Criteria: ICSL Variant Classification Criteria 13 December 2019. Collection method: clinical testing. Allele origin: germline.

Eurofins Ntd Llc (ga)
Classification: Uncertain significance. Last evaluated: 2017-01-17. Review status: criteria provided, single submitter. Criteria: EGL Classification Definitions 2015. Collection method: clinical testing. Allele origin: germline. Observed: 4 variant alleles, 2 heterozygotes.

Breakthrough Genomics
Classification: Uncertain significance. Review status: criteria provided, single submitter. Criteria: ACMG Guidelines, 2015. Collection method: not provided. Allele origin: germline. Inheritance: Autosomal recessive inheritance. Affected: yes.

Sharon lab, Hadassah-Hebrew University Medical Center
Classification: Likely pathogenic for Cone-rod degeneration. Last evaluated: 2019-06-23. Review status: no assertion criteria provided. Collection method: research. Allele origin: inherited. Affected: yes. Not counted in ClinVar's aggregate classification.

Dr. Peter K. Rogan Lab, Western University
No classification provided (evidence only). Condition: Thymoma. Review status: no classification provided. Collection method: in vitro. Allele origin: not applicable. Functional consequence: retained intron. Not counted in ClinVar's aggregate classification.

Literature cited by the submitters: PubMed 25474345 (cited by 4 submitters); PubMed 31212395 (cited by 4 submitters); PubMed 33841504 (cited by Labcorp Genetics (formerly Invitae), Labcorp and Women's Health and Genetics/Laboratory Corporation of America, LabCorp); PubMed 31456290 (cited by 3 submitters); PubMed 31964843 (cited by Women's Health and Genetics/Laboratory Corporation of America, LabCorp and Institute of Human Genetics, Univ. Regensburg, Univ. Regensburg); PubMed 35886001 (cited by Women's Health and Genetics/Laboratory Corporation of America, LabCorp and Institute of Human Genetics, Univ. Regensburg, Univ. Regensburg); PubMed 18285826 (cited by Women's Health and Genetics/Laboratory Corporation of America, LabCorp and Victorian Clinical Genetics Services, Murdoch Childrens Research Institute); PubMed 38219857 (cited by Women's Health and Genetics/Laboratory Corporation of America, LabCorp); PubMed 38465142 (cited by Women's Health and Genetics/Laboratory Corporation of America, LabCorp); PubMed 15192030 (cited by Victorian Clinical Genetics Services, Murdoch Childrens Research Institute and Institute of Human Genetics, Univ. Regensburg, Univ. Regensburg); PubMed 30563929 (cited by Victorian Clinical Genetics Services, Murdoch Childrens Research Institute); PubMed 31522899 (cited by Victorian Clinical Genetics Services, Murdoch Childrens Research Institute); PubMed 32307445 (cited by Institute of Human Genetics, Univ. Regensburg, Univ. Regensburg); PubMed 34426522 (cited by Institute of Human Genetics, Univ. Regensburg, Univ. Regensburg).